The following is an entry in ClinVar:

NM_001367823.1(ARHGEF18):c.968-152A>C

Gene: ARHGEF18 (Rho/Rac guanine nucleotide exchange factor 18; plus strand). Cytogenetic location: 19p13.2.
Variant type: single nucleotide variant.
Coding change: c.968-152A>C on transcript NM_001367823.1 (MANE Select); 152 bases into the intron before coding-DNA position 968, A replaced by C.
Molecular consequence: intron variant. On other transcripts: missense variant (1), 5 prime UTR variant (1).
Genome position (GRCh38, 1-based): chr19:7,440,192, A>C. VCF-style: chr19-7440192-A-C. GRCh37 (hg19) VCF-style: chr19-7505078-A-C.
Other names: c.90A>C, p.Lys30Asn (NM_001130955.2); c.-223A>C (NM_001367824.1); c.-71-152A>C (NM_015318.4); short protein forms K30N.
Identifiers: ClinVar variation 971859 (VCV000971859.7), dbSNP rs1974541010, ClinGen allele CA403094256.

ClinVar aggregate classification (germline): Uncertain significance (1 of 4 stars; one submission).

Submission:

Labcorp Genetics (formerly Invitae), Labcorp
Classification: Uncertain significance. Last evaluated: 2024-01-02. Review status: criteria provided, single submitter. Criteria: Invitae Variant Classification Sherloc (09022015). Collection method: clinical testing. Allele origin: germline.
Comment: This sequence change replaces lysine, which is basic and polar, with asparagine, which is neutral and polar, at codon 84 of the ARHGEF18 protein (p.Lys84Asn). This variant is not present in population databases (gnomAD no frequency). This variant has not been reported in the literature in individuals affected with ARHGEF18-related conditions. ClinVar contains an entry for this variant (Variation ID: 971859). An algorithm developed to predict the effect of missense changes on protein structure and function (PolyPhen-2) suggests that this variant is likely to be disruptive. In summary, the available evidence is currently insufficient to determine the role of this variant in disease. Therefore, it has been classified as a Variant of Uncertain Significance.